The following is an entry in ClinVar:

NM_001375524.1(TRRAP):c.2116C>T (p.Leu706Phe)

Gene: TRRAP (transformation/transcription domain associated protein; plus strand). Cytogenetic location: 7q22.1.
Variant type: single nucleotide variant.
Coding change: c.2116C>T on transcript NM_001375524.1 (MANE Select); coding-DNA position 2116, C replaced by T.
Protein change: p.Leu706Phe; replaces leucine 706 with phenylalanine.
Molecular consequence: missense variant.
Genome position (GRCh38, 1-based): chr7:98,912,130, C>T. VCF-style: chr7-98912130-C-T. GRCh37 (hg19) VCF-style: chr7-98509753-C-T.
Other names: c.2116C>T, p.Leu706Phe (NM_001244580.2, NM_003496.4); short protein forms L706F.
Identifiers: ClinVar variation 2801215 (VCV002801215.3), dbSNP rs1554408885, ClinGen allele CA368288570.

ClinVar aggregate classification (germline): Uncertain significance (1 of 4 stars; one submission).

Allele frequency attached by ClinVar (database versions not stated): gnomAD exomes below 0.00001.
gnomAD v4.1: 2 of 1,614,184 alleles (0.00012%); highest among the groups gnomAD compares: Non-Finnish European, 0.000085%; no homozygotes.

Submission:

Labcorp Genetics (formerly Invitae), Labcorp
Classification: Uncertain significance. Last evaluated: 2024-01-06. Review status: criteria provided, single submitter. Criteria: Invitae Variant Classification Sherloc (09022015). Collection method: clinical testing. Allele origin: germline.
Comment: This sequence change replaces leucine, which is neutral and non-polar, with phenylalanine, which is neutral and non-polar, at codon 706 of the TRRAP protein (p.Leu706Phe). This variant is present in population databases (no rsID available, gnomAD 0.0009%). This variant has not been reported in the literature in individuals affected with TRRAP-related conditions. Advanced modeling of protein sequence and biophysical properties (such as structural, functional, and spatial information, amino acid conservation, physicochemical variation, residue mobility, and thermodynamic stability) performed at Invitae indicates that this missense variant is not expected to disrupt TRRAP protein function with a negative predictive value of 80%. In summary, the available evidence is currently insufficient to determine the role of this variant in disease. Therefore, it has been classified as a Variant of Uncertain Significance.